The following is an entry in ClinVar:

NM_006231.4(POLE):c.1127C>G (p.Ala376Gly)

Gene: POLE (DNA polymerase epsilon, catalytic subunit; minus strand). Cytogenetic location: 12q24.33.
Variant type: single nucleotide variant.
Coding change: c.1127C>G on transcript NM_006231.4 (MANE Select); coding-DNA position 1127, C replaced by G.
Protein change: p.Ala376Gly; replaces alanine 376 with glycine.
Molecular consequence: missense variant.
Genome position (GRCh38, 1-based): chr12:132,675,497, G>C on the plus strand (C>G on the coding strand, the complement: POLE is on the minus strand). VCF-style: chr12-132675497-G-C. GRCh37 (hg19) VCF-style: chr12-133252083-G-C.
Other names: c.1127C>G (NM_006231.2); short protein forms A376G.
Identifiers: ClinVar variation 942774 (VCV000942774.10), dbSNP rs1202544604, ClinGen allele CA387361140.
Genomic context (GRCh38, chr12:132,675,497, plus strand): 5'-TCCCCCTGGCTGTCCTTCTGGAAGCCTATCTCCTGCTGCATGCTCAGACCGTGGACTGCT[G>C]CCCGGGCCTCCACAAATGGCCTGGGTTGGAAAGAGGACAGACAAGCAAGTGGGCAGGTCA-3'
Protein context (NP_006222.2, residues 366-386): FFDWPFVEAR[Ala376Gly]AVHGLSMQQE

ClinVar aggregate classification (germline): Uncertain significance. Review status: criteria provided, multiple submitters, no conflicts (2 of 4 stars). 2 submissions from 2 submitters: Uncertain significance (2). Last evaluated 2026-06-29.

Conditions:
Hereditary cancer-predisposing syndrome. Also called: Neoplastic Syndromes, Hereditary; Hereditary Cancer Syndrome; Tumor predisposition; Hereditary neoplastic syndrome. Identifiers: Orphanet 140162, MedGen C0027672, MeSH D009386, MONDO:0015356.

Allele frequency attached by ClinVar (database versions not stated): gnomAD 0.00001; TOPMed below 0.00001.
gnomAD v4.1: 1 of 1,613,986 alleles (0.000062%); highest among the groups gnomAD compares: Non-Finnish European, 0.000085%; no homozygotes.

Submissions (2):

Ambry Genetics
Classification: Uncertain significance for Hereditary cancer-predisposing syndrome. Last evaluated: 2026-06-29. Review status: criteria provided, single submitter. Criteria: Ambry Variant Classification Scheme 2023. Collection method: clinical testing. Allele origin: germline.
Comment: The p.A376G variant (also known as c.1127C>G), located in coding exon 12 of the POLE gene, results from a C to G substitution at nucleotide position 1127. The alanine at codon 376 is replaced by glycine, an amino acid with similar properties. This amino acid position is highly conserved in available vertebrate species. In addition, the in silico prediction for this alteration is inconclusive. Based on the available evidence, the clinical significance of this variant remains unclear.

Labcorp Genetics (formerly Invitae), Labcorp
Classification: Uncertain significance. Last evaluated: 2021-08-27. Review status: criteria provided, single submitter. Criteria: Invitae Variant Classification Sherloc (09022015). Collection method: clinical testing. Allele origin: germline.
Comment: In summary, the available evidence is currently insufficient to determine the role of this variant in disease. Therefore, it has been classified as a Variant of Uncertain Significance. Algorithms developed to predict the effect of missense changes on protein structure and function are either unavailable or do not agree on the potential impact of this missense change (SIFT: "Deleterious"; PolyPhen-2: "Possibly Damaging"; Align-GVGD: "Class C0"). This variant has not been reported in the literature in individuals with POLE-related conditions. This variant is not present in population databases (ExAC no frequency). This sequence change replaces alanine with glycine at codon 376 of the POLE protein (p.Ala376Gly). The alanine residue is highly conserved and there is a small physicochemical difference between alanine and glycine.